The following is an entry in ClinVar:

NM_004370.6(COL12A1):c.8100+5G>A

Gene: COL12A1 (collagen type XII alpha 1 chain; minus strand). Cytogenetic location: 6q13.
Variant type: single nucleotide variant.
Coding change: c.8100+5G>A on transcript NM_004370.6 (MANE Select); 5 bases into the intron after coding-DNA position 8100, G replaced by A.
Molecular consequence: intron variant.
Genome position (GRCh38, 1-based): chr6:75,109,013, C>T on the plus strand (G>A on the coding strand, the complement: COL12A1 is on the minus strand). VCF-style: chr6-75109013-C-T. GRCh37 (hg19) VCF-style: chr6-75818729-C-T.
Other names: c.4608+5G>A (NM_001424116.1, NM_080645.3); c.7827+5G>A (NM_001424115.1); c.8079+5G>A (NM_001424114.1); c.8100+5G>A (NM_001424113.1).
Identifiers: ClinVar variation 4854235 (VCV004854235.1).

ClinVar aggregate classification (germline): Uncertain significance (1 of 4 stars; one submission).

Conditions:
Bethlem myopathy 2 (BTHLM2). Identifiers: Orphanet 536516, Orphanet 610, MedGen C4225313, MONDO:0034022, OMIM 616471.

Submission:

3billion
Classification: Uncertain significance for Bethlem myopathy 2. Last evaluated: 2025-07-07. Review status: criteria provided, single submitter. Criteria: ACMG Guidelines, 2015. Collection method: clinical testing. Allele origin: germline. Affected: yes.
Comment: The variant is not observed in the gnomAD v4.1.0 dataset. Predicted Consequence/Location: Intron variant In silico tools predict the variant to alter splicing and produce an abnormal transcript [SpliceAI: 0.97 (>=0.2, moderate evidence for spliceogenicity)]. Therefore, this variant is classified as VUS according to the recommendation of ACMG/AMP guideline.